The following is an entry in ClinVar:

ClinVar aggregate classification (germline): Pathogenic (1 of 4 stars; one submission).

Submission:

Labcorp Genetics (formerly Invitae), Labcorp
Classification: Pathogenic. Last evaluated: 2022-05-04. Review status: criteria provided, single submitter. Criteria: Invitae Variant Classification Sherloc (09022015). Collection method: clinical testing. Allele origin: germline.
Comment: For these reasons, this variant has been classified as Pathogenic. This variant has not been reported in the literature in individuals affected with CFI-related conditions. This variant is not present in population databases (gnomAD no frequency). This sequence change creates a premature translational stop signal (p.Pro64Thrfs*15) in the CFI gene. It is expected to result in an absent or disrupted protein product. Loss-of-function variants in CFI are known to be pathogenic (PMID: 15917334, 16621965, 19065647, 20016463, 22710145).

Literature cited by the submitters: PubMed 15917334; PubMed 16621965; PubMed 19065647; PubMed 20016463; PubMed 22710145.

NM_000204.5(CFI):c.188dup (p.Pro64fs)

Gene: CFI (complement factor I; minus strand). Cytogenetic location: 4q25.
Variant type: Duplication.
Coding change: c.188dup on transcript NM_000204.5 (MANE Select); coding-DNA position 188, one base duplicated (T; older notation c.188dupT).
Protein change: p.Pro64fs; shifts the reading frame from proline 64.
Molecular consequence: frameshift variant. On other transcripts: non-coding transcript variant (3), intron variant (1).
Genome position (GRCh38, 1-based): chr4:109,766,694, A duplicated on the plus strand (T on the coding strand, the reverse complement: CFI is on the minus strand). VCF-style (leftmost placement, unchanged base first): chr4-109766693-T-TA. GRCh37 (hg19) VCF-style: chr4-110687849-T-TA.
Other names: c.188dup, p.Pro64fs (NM_001318057.2, NM_001331035.2, NM_001375278.1 and 5 more transcripts); c.-127-5002dup (NM_001375284.1); short protein forms P64fs.
Identifiers: ClinVar variation 2100265 (VCV002100265.4), dbSNP rs2545456988, ClinGen allele CA2580071384.
Genomic context (GRCh38, chr4:109,766,693, plus strand): 5'-TGGGAAGCTTCTCCTGTTAGTTGCACACACTGCAGTGCCATTCTTTGGGCACTGATACGG[T>TA]AGTTTACAAACACAGGTGCCCTCAATGCATCTCTGCCATGGCTGGCAGAAGACTTTATCG-3'